The following is an entry in ClinVar:

NM_001242908.2(RSPO1):c.254del (p.Asp85fs)

Gene: RSPO1 (R-spondin 1; minus strand). Cytogenetic location: 1p34.3.
Variant type: Deletion.
Coding change: c.254del on transcript NM_001242908.2 (MANE Select); coding-DNA position 254, one base deleted (A; older notation c.254delA).
Protein change: p.Asp85fs; shifts the reading frame from aspartic acid 85.
Molecular consequence: frameshift variant.
Genome position (GRCh38, 1-based): chr1:37,616,516, T deleted on the plus strand (A on the coding strand, the reverse complement: RSPO1 is on the minus strand). VCF-style (leftmost placement, unchanged base first): chr1-37616515-GT-G. GRCh37 (hg19) VCF-style: chr1-38082187-GT-G.
Other names: c.254del, p.Asp85fs (NM_001038633.4, NM_001242910.2); c.173del, p.Asp58fs (NM_001242909.2); c.254delA (NM_001038633.3); short protein forms D85fs, D58fs.
Identifiers: ClinVar variation 2585482 (VCV002585482.3), dbSNP rs2522603990, ClinGen allele CA2582341910.

ClinVar aggregate classification (germline): Likely pathogenic. Review status: criteria provided, single submitter (1 of 4 stars). 2 submissions from 2 submitters: Likely pathogenic (1). 1 of the submissions does not count toward it.

Conditions:
RSPO1-related disorder. Also called: RSPO1-related condition.
Palmoplantar keratoderma-XX sex reversal-predisposition to squamous cell carcinoma syndrome. Also called: PALMOPLANTAR HYPERKERATOSIS WITH SQUAMOUS CELL CARCINOMA OF SKIN AND SEX REVERSAL. Identifiers: Orphanet 85112, MedGen C3149931, MONDO:0012530, OMIM 610644.

Allele frequency attached by ClinVar (database versions not stated): gnomAD exomes below 0.00001.

Submissions (2):

Neuberg Centre For Genomic Medicine, NCGM
Classification: Likely pathogenic for Palmoplantar keratoderma-XX sex reversal-predisposition to squamous cell carcinoma syndrome. Review status: criteria provided, single submitter. Criteria: ACMG Guidelines, 2015. Collection method: clinical testing. Allele origin: germline. Inheritance: Autosomal recessive inheritance. Affected: yes.
Comment: The frameshift c.254del (p.Asp85AlafsTer7) variant has not been reported previously as a pathogenic variant nor as a benign variant, to our knowledge. This variant is novel (not in any individuals) in gnomAD Exomes and 1000 Genomes. This variant is predicted to cause loss of normal protein function through protein truncation. Loss of function variants have been previously reported to be disease causing. For these reasons, this variant has been classified as Likely Pathogenic.

PreventionGenetics, part of Exact Sciences
Classification: Uncertain significance for RSPO1-related condition. Last evaluated: 2024-01-21. Review status: no assertion criteria provided. Collection method: clinical testing. Allele origin: germline. Not counted in ClinVar's aggregate classification.
Comment: The RSPO1 c.254delA variant is predicted to result in a frameshift and premature protein termination (p.Asp85Alafs*7). To our knowledge, this variant has not been reported in the literature or in a large population database, indicating this variant is rare. Few chain-terminating variants in RSPO1 are reported and loss of function has not been conclusively established as a mechanism for RSPO1-related disorders. At this time, the clinical significance of this variant is uncertain due to the absence of conclusive functional and genetic evidence.